The following is an entry in ClinVar:

ClinVar aggregate classification (germline): Uncertain significance (1 of 4 stars; one submission).

Conditions:
Mendelian susceptibility to mycobacterial diseases due to partial STAT1 deficiency. Also called: IMMUNODEFICIENCY 31A, MYCOBACTERIOSIS, AUTOSOMAL DOMINANT; STAT1 DEFICIENCY, AUTOSOMAL DOMINANT; Immunodeficiency 31a. Identifiers: Orphanet 319595, MedGen C4013950, MONDO:0013956, OMIM 614892.
Autoimmune enteropathy and endocrinopathy - susceptibility to chronic infections syndrome. Also called: Immunodeficiency 31C, autosomal dominant; Immunodeficiency 31C. Identifiers: Orphanet 391487, MedGen C3279990, MONDO:0013599, OMIM 614162.
Immunodeficiency 31B. Also called: IMMUNODEFICIENCY 31B, MYCOBACTERIAL AND VIRAL INFECTIONS, AUTOSOMAL RECESSIVE; STAT1 DEFICIENCY, AUTOSOMAL RECESSIVE. Identifiers: Orphanet 391311, MedGen C3151088, MONDO:0013427, OMIM 613796.

Submission:

Labcorp Genetics (formerly Invitae), Labcorp
Classification: Uncertain significance for Mendelian susceptibility to mycobacterial diseases due to partial STAT1 deficiency; Immunodeficiency 31B; Autoimmune enteropathy and endocrinopathy - susceptibility to chronic infections syndrome. Last evaluated: 2025-08-17. Review status: criteria provided, single submitter. Criteria: Invitae Variant Classification Sherloc (09022015). Collection method: clinical testing. Allele origin: germline.
Comment: This sequence change replaces proline, which is neutral and non-polar, with arginine, which is basic and polar, at codon 423 of the STAT1 protein (p.Pro423Arg). This variant is not present in population databases (gnomAD no frequency). This variant has not been reported in the literature in individuals affected with STAT1-related conditions. An algorithm developed to predict the effect of missense changes on protein structure and function (PolyPhen-2) suggests that this variant is likely to be disruptive. In summary, the available evidence is currently insufficient to determine the role of this variant in disease. Therefore, it has been classified as a Variant of Uncertain Significance.

NM_007315.4(STAT1):c.1268C>G (p.Pro423Arg)

Gene: STAT1 (signal transducer and activator of transcription 1; minus strand). Cytogenetic location: 2q32.2.
Variant type: single nucleotide variant.
Coding change: c.1268C>G on transcript NM_007315.4 (MANE Select); coding-DNA position 1268, C replaced by G.
Protein change: p.Pro423Arg; replaces proline 423 with arginine.
Molecular consequence: missense variant.
Genome position (GRCh38, 1-based): chr2:190,984,389, G>C on the plus strand (C>G on the coding strand, the complement: STAT1 is on the minus strand). VCF-style: chr2-190984389-G-C. GRCh37 (hg19) VCF-style: chr2-191849115-G-C.
Other names: c.1208C>G, p.Pro403Arg (NM_001384880.1); c.1274C>G, p.Pro425Arg (NM_001384881.1, NM_001384884.1); c.1262C>G, p.Pro421Arg (NM_001384882.1); c.1169C>G, p.Pro390Arg (NM_001384883.1); c.1109C>G, p.Pro370Arg (NM_001384885.1); c.1268C>G, p.Pro423Arg (NM_001384886.1, NM_001384889.1, NM_001437284.1 and 1 more transcripts); c.1175C>G, p.Pro392Arg (NM_001384887.1); c.1238C>G, p.Pro413Arg (NM_001384888.1); and 2 more; short protein forms P392R, P403R, P370R, P393R, P425R, P435R, P390R, P413R.
Identifiers: ClinVar variation 4785862 (VCV004785862.1).